The following is an entry in ClinVar:

ClinVar aggregate classification (germline): Uncertain significance (1 of 4 stars; one submission).

Conditions:
Dyskeratosis congenita, autosomal dominant 6 (DKCA6). Identifiers: Orphanet 3322, MedGen C4225284, MONDO:0014690, OMIM 616553.

Submission:

Labcorp Genetics (formerly Invitae), Labcorp
Classification: Uncertain significance for Dyskeratosis congenita, autosomal dominant 6. Last evaluated: 2022-01-11. Review status: criteria provided, single submitter. Criteria: Invitae Variant Classification Sherloc (09022015). Collection method: clinical testing. Allele origin: germline.
Comment: In summary, the available evidence is currently insufficient to determine the role of this variant in disease. Therefore, it has been classified as a Variant of Uncertain Significance. Algorithms developed to predict the effect of missense changes on protein structure and function output the following: SIFT: "Tolerated"; PolyPhen-2: "Benign"; Align-GVGD: "Class C0". The aspartic acid amino acid residue is found in multiple mammalian species, which suggests that this missense change does not adversely affect protein function. This variant has not been reported in the literature in individuals affected with ACD-related conditions. This variant is not present in population databases (gnomAD no frequency). This sequence change replaces glycine, which is neutral and non-polar, with aspartic acid, which is acidic and polar, at codon 197 of the ACD protein (p.Gly197Asp).

NM_001082486.2(ACD):c.332G>A (p.Gly111Asp)

Gene: ACD (ACD shelterin complex subunit and telomerase recruitment factor; minus strand). Cytogenetic location: 16q22.1.
Variant type: single nucleotide variant.
Coding change: c.332G>A on transcript NM_001082486.2 (MANE Select); coding-DNA position 332, G replaced by A.
Protein change: p.Gly111Asp; replaces glycine 111 with aspartic acid.
Molecular consequence: missense variant.
Genome position (GRCh38, 1-based): chr16:67,659,706, C>T on the plus strand (G>A on the coding strand, the complement: ACD is on the minus strand). VCF-style: chr16-67659706-C-T. GRCh37 (hg19) VCF-style: chr16-67693609-C-T.
Other names: c.323G>A, p.Gly108Asp (NM_022914.3); short protein forms G108D, G111D.
Identifiers: ClinVar variation 1461517 (VCV001461517.6), dbSNP rs2142974572, ClinGen allele CA396355723.